The following is an entry in ClinVar:

NM_000393.5(COL5A2):c.2499+2_2499+4dup

Gene: COL5A2 (collagen type V alpha 2 chain; minus strand). Cytogenetic location: 2q32.2.
Variant type: Duplication.
Coding change: c.2499+2_2499+4dup on transcript NM_000393.5 (MANE Select); the canonical splice donor site of the intron after coding-DNA position 2499 through 4 bases into the intron after coding-DNA position 2499, 3 bases duplicated (TAA; older notation c.2499+2_2499+4dupTAA).
Molecular consequence: splice donor variant.
Genome position (GRCh38, 1-based): chr2:189,053,891-189,053,893, TTA duplicated on the plus strand (TAA on the coding strand, the reverse complement: COL5A2 is on the minus strand). VCF-style (leftmost placement, unchanged base first): chr2-189053890-C-CTTA. GRCh37 (hg19) VCF-style: chr2-189918616-C-CTTA.
Other names: c.2499+4_2499+5insTAA (NM_000393.5).
Identifiers: ClinVar variation 4851312 (VCV004851312.1).
Genomic context (GRCh38, chr2:189,053,890, plus strand): 5'-ACAAAATGATTAATTGTTTTATTGCTCAATCTCACACTAAAGAACACCAAAATACTGTCA[C>CTTA]TTACAGGATTGCCCCGGGAGCCAGGAGGGCCAACTAAACCTCGAGGACCAGGTTCACCCT-3'

ClinVar aggregate classification (germline): Pathogenic (1 of 4 stars; one submission).

Conditions:
Ehlers-Danlos syndrome, classic type, 2 (EDSCL2). Also called: Ehlers-Danlos Syndrome, Classic Type, COL5A2-Related; Ehlers-Danlos syndrome, type 2; Ehlers-Danlos syndrome type 2 (formerly). Identifiers: Orphanet 287, Orphanet 90318, MedGen C0268336, MONDO:0019568, OMIM 130010.

Submission:

Gansu Provincial Maternity and Child Care Hospital
Classification: Pathogenic for Ehlers-Danlos syndrome, classic type, 2. Last evaluated: 2026-05-18. Review status: criteria provided, single submitter. Criteria: ACMG Guidelines, 2015. Collection method: clinical testing. Allele origin: de novo. Inheritance: Autosomal dominant inheritance. Affected: yes.
Comment: The minigene assays demonstrated that the c.2499+4_2499+5insTAA variant disrupts the splice donor site of intron 37, resulting in exon 37 skipping(PS3).Parental verification confirmed it as a de novo variant (PS2). This site is not recorded in the gnomAD database (PM2_supporting).